The following is an entry in ClinVar:

NM_002693.3(POLG):c.2054G>A (p.Ser685Asn)

Gene: POLG (DNA polymerase gamma, catalytic subunit; minus strand). Cytogenetic location: 15q26.1.
Variant type: single nucleotide variant.
Coding change: c.2054G>A on transcript NM_002693.3 (MANE Select); coding-DNA position 2054, G replaced by A.
Protein change: p.Ser685Asn; replaces serine 685 with asparagine.
Molecular consequence: missense variant.
Genome position (GRCh38, 1-based): chr15:89,324,123, C>T on the plus strand (G>A on the coding strand, the complement: POLG is on the minus strand). VCF-style: chr15-89324123-C-T. GRCh37 (hg19) VCF-style: chr15-89867354-C-T.
Other names: c.2054G>A, p.Ser685Asn (NM_001126131.2); short protein forms S685N.
Identifiers: ClinVar variation 528380 (VCV000528380.8), dbSNP rs775662032, ClinGen allele CA7724609.

ClinVar aggregate classification (germline): Uncertain significance (1 of 4 stars; one submission).

Conditions:
Progressive sclerosing poliodystrophy (MTDPS4A). Also called: Alpers-Huttenlocher Syndrome (AHS); ALPERS PROGRESSIVE INFANTILE POLIODYSTROPHY; Mitochondrial DNA Depletion Syndrome 4A; Mitochondrial DNA depletion syndrome 4A (Alpers type); NEURONAL DEGENERATION OF CHILDHOOD WITH LIVER DISEASE, PROGRESSIVE; Alpers Syndrome. Identifiers: Orphanet 726, MedGen C0205710, MONDO:0008758, OMIM 203700.

Allele frequency attached by ClinVar (database versions not stated): gnomAD exomes below 0.00001; ExAC 0.00001.

Submission:

Labcorp Genetics (formerly Invitae), Labcorp
Classification: Uncertain significance for Progressive sclerosing poliodystrophy. Last evaluated: 2022-07-12. Review status: criteria provided, single submitter. Criteria: Invitae Variant Classification Sherloc (09022015). Collection method: clinical testing. Allele origin: germline.
Comment: This sequence change replaces serine, which is neutral and polar, with asparagine, which is neutral and polar, at codon 685 of the POLG protein (p.Ser685Asn). This variant is present in population databases (rs775662032, gnomAD 0.0009%). This variant has not been reported in the literature in individuals affected with POLG-related conditions. ClinVar contains an entry for this variant (Variation ID: 528380). Algorithms developed to predict the effect of missense changes on protein structure and function (SIFT, PolyPhen-2, Align-GVGD) all suggest that this variant is likely to be tolerated. In summary, the available evidence is currently insufficient to determine the role of this variant in disease. Therefore, it has been classified as a Variant of Uncertain Significance.